The following is an entry in ClinVar:

NM_000179.3(MSH6):c.3875G>T (p.Gly1292Val)

Gene: MSH6 (mutS homolog 6; plus strand). Cytogenetic location: 2p16.3.
Variant type: single nucleotide variant.
Coding change: c.3875G>T on transcript NM_000179.3 (MANE Select); coding-DNA position 3875, G replaced by T.
Protein change: p.Gly1292Val; replaces glycine 1292 with valine.
Molecular consequence: missense variant. On other transcripts: nonsense (1), non-coding transcript variant (5), intron variant (1).
Genome position (GRCh38, 1-based): chr2:47,806,525, G>T. VCF-style: chr2-47806525-G-T. GRCh37 (hg19) VCF-style: chr2-48033664-G-T.
Other names: c.3485G>T, p.Gly1162Val (NM_001281492.2); c.2969G>T, p.Gly990Val (NM_001281493.2, NM_001281494.2, NM_001406811.1 and 6 more transcripts); c.3971G>T, p.Gly1324Val (NM_001406795.1); c.3875G>T, p.Gly1292Val (NM_001406796.1, NM_001406808.1, NM_001406809.1); c.3578G>T, p.Gly1193Val (NM_001406797.1, NM_001406801.1, NM_001406805.1 and 10 more transcripts); c.3701G>T, p.Gly1234Val (NM_001406798.1); c.3350G>T, p.Gly1117Val (NM_001406799.1, NM_001406806.1, NM_001406807.1); c.3862G>T, p.Glu1288Ter (NM_001406800.1); and 9 more; short protein forms E1288*, G1004V, G1117V, G1162V, G1193V, G1234V, G1236V, G1266V.
Identifiers: ClinVar variation 3230568 (VCV003230568.1), dbSNP rs1553333492, ClinGen allele CA346761367.

ClinVar aggregate classification (germline): Uncertain significance (1 of 4 stars; one submission).

Conditions:
Hereditary cancer-predisposing syndrome. Also called: Neoplastic Syndromes, Hereditary; Tumor predisposition; Hereditary neoplastic syndrome; Hereditary Cancer Syndrome. Identifiers: Orphanet 140162, MedGen C0027672, MeSH D009386, MONDO:0015356.

Submission:

Ambry Genetics
Classification: Uncertain significance for Hereditary cancer-predisposing syndrome. Last evaluated: 2023-11-09. Review status: criteria provided, single submitter. Criteria: Ambry Variant Classification Scheme 2023. Collection method: clinical testing. Allele origin: germline.
Comment: The p.G1292V variant (also known as c.3875G>T), located in coding exon 9 of the MSH6 gene, results from a G to T substitution at nucleotide position 3875. The glycine at codon 1292 is replaced by valine, an amino acid with dissimilar properties. This amino acid position is conserved. In addition, this alteration is predicted to be deleterious by in silico analysis. Since supporting evidence is limited at this time, the clinical significance of this alteration remains unclear.